The following is an entry in ClinVar:

ClinVar aggregate classification (germline): Uncertain significance (1 of 4 stars; one submission).

Submission:

Women's Health and Genetics/Laboratory Corporation of America, LabCorp
Classification: Uncertain significance. Last evaluated: 2025-06-13. Review status: criteria provided, single submitter. Criteria: LabCorp Variant Classification Summary - May 2015. Collection method: clinical testing. Allele origin: germline.
Comment: Variant summary: FANCA c.3348G>A (p.Met1116Ile) results in a conservative amino acid change in the encoded protein sequence. Algorithms developed to predict the effect of missense changes on protein structure and function all suggest that this variant is likely to be tolerated. Several computational tools predict a significant impact on normal splicing: Two predict the variant abolishes a 5' splicing donor site. Two predict the variant weakens a 5' donor site. However, these predictions have yet to be confirmed by functional studies. The variant was absent in 250744 control chromosomes (gnomAD). The available data on variant occurrences in the general population are insufficient to allow any conclusion about variant significance. To our knowledge, no occurrence of c.3348G>A in individuals affected with Fanconi Anemia and no experimental evidence demonstrating its impact on protein function have been reported. No submitters have cited clinical-significance assessments for this variant to ClinVar. Based on the evidence outlined above, the variant was classified as uncertain significance.

NM_000135.4(FANCA):c.3348G>A (p.Met1116Ile)

Gene: FANCA (FA complementation group A; minus strand). Cytogenetic location: 16q24.3.
Variant type: single nucleotide variant.
Coding change: c.3348G>A on transcript NM_000135.4 (MANE Select); coding-DNA position 3348, G replaced by A.
Protein change: p.Met1116Ile; replaces methionine 1116 with isoleucine.
Molecular consequence: missense variant.
Genome position (GRCh38, 1-based): chr16:89,748,659, C>T on the plus strand (G>A on the coding strand, the complement: FANCA is on the minus strand). VCF-style: chr16-89748659-C-T. GRCh37 (hg19) VCF-style: chr16-89815067-C-T.
Other names: c.3348G>A, p.Met1116Ile (NM_001286167.3); short protein forms M1116I.
Identifiers: ClinVar variation 3907125 (VCV003907125.1).